The following is an entry in ClinVar:

ClinVar aggregate classification (germline): Likely benign (1 of 4 stars; one submission).

Submission:

Mayo Clinic Laboratories, Mayo Clinic
Classification: Likely benign. Last evaluated: 2025-09-26. Review status: criteria provided, single submitter. Criteria: ACMG Guidelines, 2015. Collection method: clinical testing. Allele origin: germline. Observed: 1 variant allele.
Comment: BP4, BP7

NM_005559.4(LAMA1):c.5322G>A (p.Lys1774=)

Gene: LAMA1 (laminin subunit alpha 1; minus strand). Cytogenetic location: 18p11.31.
Variant type: single nucleotide variant.
Coding change: c.5322G>A on transcript NM_005559.4 (MANE Select); coding-DNA position 5322, G replaced by A.
Protein change: p.Lys1774=; no amino-acid change (lysine 1774 retained).
Molecular consequence: synonymous variant.
Genome position (GRCh38, 1-based): chr18:6,986,194, C>T on the plus strand (G>A on the coding strand, the complement: LAMA1 is on the minus strand). VCF-style: chr18-6986194-C-T. GRCh37 (hg19) VCF-style: chr18-6986193-C-T.
Other names: p.Lys1774=.
Identifiers: ClinVar variation 4684275 (VCV004684275.1).